The following is an entry in ClinVar:

ClinVar aggregate classification (germline): Benign. Review status: criteria provided, multiple submitters, no conflicts (2 of 4 stars). 8 submissions from 8 submitters: Benign (8). Last evaluated 2026-02-04.

Conditions:
Hereditary cancer-predisposing syndrome. Also called: Tumor predisposition; Neoplastic Syndromes, Hereditary; Hereditary neoplastic syndrome; Hereditary Cancer Syndrome. Identifiers: Orphanet 140162, MedGen C0027672, MeSH D009386, MONDO:0015356.
Multiple endocrine neoplasia, type 1 (MEN1). Also called: MEN I; WERMER SYNDROME; Endocrine adenomatosis multiple; MEN 1; MEA I. Identifiers: Orphanet 652, MedGen C0025267, MeSH D018761, MONDO:0007540, OMIM 131100.

Allele frequency attached by ClinVar (database versions not stated): 1000 Genomes Project 30x 0.97283; TOPMed 0.97484; gnomAD 0.97595 and 0.97775; 1000 Genomes Project 0.97604; ESP Exome Variant Server 0.97615; ExAC 0.99275; gnomAD exomes 0.99416 and 0.99790.

Submissions (8):

Labcorp Genetics (formerly Invitae), Labcorp
Classification: Benign for Multiple endocrine neoplasia, type 1. Last evaluated: 2026-02-04. Review status: criteria provided, single submitter. Criteria: Invitae Variant Classification Sherloc (09022015). Collection method: clinical testing. Allele origin: germline.

GeneKor MSA
Classification: Benign for Hereditary cancer-predisposing syndrome. Last evaluated: 2025-07-10. Review status: criteria provided, single submitter. Criteria: ACMG Guidelines, 2015. Collection method: clinical testing. Allele origin: germline.

Blueprint Genetics
Classification: Benign. Last evaluated: 2024-11-27. Review status: criteria provided, single submitter. Criteria: ACMG Guidelines, 2015. Collection method: clinical testing. Allele origin: germline.

Myriad Genetics, Inc.
Classification: Benign for Multiple endocrine neoplasia, type 1. Last evaluated: 2024-11-05. Review status: criteria provided, single submitter. Criteria: Myriad Autosomal Dominant, Autosomal Recessive and X-Linked Classification Criteria (2023). Collection method: clinical testing. Allele origin: unknown.
Comment: This variant is considered benign. This variant is a silent/synonymous amino acid change and it is not expected to impact splicing.

Color Diagnostics, LLC DBA Color Health
Classification: Benign for Multiple endocrine neoplasia, type 1. Last evaluated: 2019-03-29. Review status: criteria provided, single submitter. Criteria: ACMG Guidelines, 2015. Collection method: clinical testing. Allele origin: germline.

Eurofins Ntd Llc (ga)
Classification: Benign. Last evaluated: 2018-06-22. Review status: criteria provided, single submitter. Criteria: EGL ClinVar v180209 classification definitions. Collection method: clinical testing. Allele origin: germline. Observed: 90 variant alleles, 4 heterozygotes, 86 homozygotes.

Laboratory for Molecular Medicine, Mass General Brigham Personalized Medicine
Classification: Benign. Last evaluated: 2016-05-23. Review status: criteria provided, single submitter. Criteria: LMM Criteria. Collection method: clinical testing. Allele origin: germline. Observed: 2 variant alleles.
Comment: c.1314T>C in exon 10 of MEN1: This variant is not expected to have clinical sign ificance because it does not alter an amino acid residue, is not located within the splice consensus sequence, and has been identified in 99.99% (66603/66608) o f European chromosomes by the Exome Aggregation Consortium (ExAC; dbSNP rs540012).

Breakthrough Genomics
Classification: Benign. Review status: criteria provided, single submitter. Criteria: ACMG Guidelines, 2015. Collection method: not provided. Allele origin: germline. Inheritance: Autosomal dominant inheritance. Affected: yes.

NM_001370259.2(MEN1):c.1299T>C (p.His433=)

Gene: MEN1 (menin 1; minus strand). Cytogenetic location: 11q13.1.
Variant type: single nucleotide variant.
Coding change: c.1299T>C on transcript NM_001370259.2 (MANE Select); coding-DNA position 1299, T replaced by C.
Protein change: p.His433=; no amino-acid change (histidine 433 retained).
Molecular consequence: synonymous variant.
Genome position (GRCh38, 1-based): chr11:64,805,085, A>G on the plus strand (T>C on the coding strand, the complement: MEN1 is on the minus strand). VCF-style: chr11-64805085-A-G. GRCh37 (hg19) VCF-style: chr11-64572557-A-G.
Other names: c.1314T>C, p.His438= (NM_000244.4, NM_130800.3, NM_130801.3 and 3 more transcripts); c.1425T>C, p.His475= (NM_001370251.2); c.1299T>C, p.His433= (NM_001370260.2, NM_001370261.2, NM_130799.3); c.1194T>C, p.His398= (NM_001370262.2, NM_001370263.2).
Identifiers: ClinVar variation 167288 (VCV000167288.23), dbSNP rs540012, ClinGen allele CA060368.
Genomic context (GRCh38, chr11:64,805,085, plus strand): 5'-GTCCCTCACCTGTCCCTCAAAACGGCCTAGGGACTGCACAAGAAAGGTGGCCCAGCCCAC[A>G]TGCAGCACAGGCGTGGGACTGCCCTCCTCCCATTTGCAGATGCCGTCGTAGAATCGCAGC-3'
Protein context (NP_001357188.2, residues 423-443): WEEGSPTPVL[His433=]VGWATFLVQS